The following is an entry in ClinVar:

NM_000302.4(PLOD1):c.1293del (p.Glu432fs)

Gene: PLOD1 (procollagen-lysine,2-oxoglutarate 5-dioxygenase 1; plus strand). Cytogenetic location: 1p36.22.
Variant type: Deletion.
Coding change: c.1293del on transcript NM_000302.4 (MANE Select); coding-DNA position 1293, one base deleted (C; older notation c.1293delC).
Protein change: p.Glu432fs; shifts the reading frame from glutamic acid 432.
Molecular consequence: frameshift variant.
Genome position (GRCh38, 1-based): chr1:11,964,265, C deleted; the last of 2 consecutive C bases (chr1:11,964,264-11,964,265); deleting either gives the same sequence. VCF-style (leftmost placement, unchanged base first): chr1-11964263-TC-T. GRCh37 (hg19) VCF-style: chr1-12024320-TC-T.
Other names: c.1434del, p.Glu479fs (NM_001316320.2); short protein forms E432fs, E479fs.
Identifiers: ClinVar variation 2628619 (VCV002628619.1), dbSNP rs761014653, ClinGen allele CA598349.
Genomic context (GRCh38, chr1:11,964,263, plus strand): 5'-CATGGGAGGCTGTGGTCGAACTTCTGGGGGGCTCTCAGTGCAGATGGCTACTATGCCCGT[TC>T]CGAGGACTACGTGGACATTGTGCAGGGGCGGCGTGTGTGAGTACCTGCAGGGTGGGGGTG-3'

ClinVar aggregate classification (germline): Likely pathogenic (1 of 4 stars; one submission).

Conditions:
PLOD1-related disorder. Also called: PLOD1-related condition.

Submission:

PreventionGenetics, part of Exact Sciences
Classification: Likely pathogenic for PLOD1-related condition. Last evaluated: 2023-03-28. Review status: criteria provided, single submitter. Criteria: ACMG Guidelines, 2015. Collection method: clinical testing. Allele origin: germline.
Comment: The PLOD1 c.1293delC variant is predicted to result in a frameshift and premature protein termination (p.Ser431Serfs*26). To our knowledge, this variant has not been reported in the literature. This variant is reported in 0.00088% of alleles in individuals of European (Non-Finnish) descent in gnomAD. Frameshift variants in PLOD1 are expected to be pathogenic. This variant is interpreted as likely pathogenic.